The following is an entry in ClinVar:

ClinVar aggregate classification (germline): Uncertain significance. Review status: criteria provided, multiple submitters, no conflicts (2 of 4 stars). 2 submissions from 2 submitters: Uncertain significance (2). Last evaluated 2023-04-18.

Conditions:
Noonan syndrome 9 (NS9). Identifiers: Orphanet 648, MedGen C4225282, MONDO:0014691, OMIM 616559.

gnomAD v4.1: 1 of 1,605,502 alleles (0.000062%); no homozygotes.

Submissions (2):

Labcorp Genetics (formerly Invitae), Labcorp
Classification: Uncertain significance for Noonan syndrome 9. Last evaluated: 2023-04-18. Review status: criteria provided, single submitter. Criteria: Invitae Variant Classification Sherloc (09022015). Collection method: clinical testing. Allele origin: germline.
Comment: ClinVar contains an entry for this variant (Variation ID: 1723558). In summary, the available evidence is currently insufficient to determine the role of this variant in disease. Therefore, it has been classified as a Variant of Uncertain Significance. Advanced modeling of protein sequence and biophysical properties (such as structural, functional, and spatial information, amino acid conservation, physicochemical variation, residue mobility, and thermodynamic stability) has been performed at Invitae for this missense variant, however the output from this modeling did not meet the statistical confidence thresholds required to predict the impact of this variant on SOS2 protein function. This variant has not been reported in the literature in individuals affected with SOS2-related conditions. This variant is not present in population databases (gnomAD no frequency). This sequence change replaces proline, which is neutral and non-polar, with arginine, which is basic and polar, at codon 1151 of the SOS2 protein (p.Pro1151Arg).

GeneDx
Classification: Uncertain significance. Last evaluated: 2022-05-09. Review status: criteria provided, single submitter. Criteria: GeneDx Variant Classification Process June 2021. Collection method: clinical testing. Allele origin: germline. Affected: yes.
Comment: Not observed at significant frequency in large population cohorts (gnomAD); In silico analysis supports that this missense variant has a deleterious effect on protein structure/function; Has not been previously published as pathogenic or benign to our knowledge

NM_006939.4(SOS2):c.3452C>G (p.Pro1151Arg)

Gene: SOS2 (SOS Ras/Rho guanine nucleotide exchange factor 2; minus strand). Cytogenetic location: 14q21.3.
Variant type: single nucleotide variant.
Coding change: c.3452C>G on transcript NM_006939.4 (MANE Select); coding-DNA position 3452, C replaced by G.
Protein change: p.Pro1151Arg; replaces proline 1151 with arginine.
Molecular consequence: missense variant.
Genome position (GRCh38, 1-based): chr14:50,120,312, G>C on the plus strand (C>G on the coding strand, the complement: SOS2 is on the minus strand). VCF-style: chr14-50120312-G-C. GRCh37 (hg19) VCF-style: chr14-50587030-G-C.
Other names: c.3353C>G, p.Pro1118Arg (NM_001411020.1); short protein forms P1118R, P1151R.
Identifiers: ClinVar variation 1723558 (VCV001723558.5), dbSNP rs2502768341, ClinGen allele CA389639128.